The following is an entry in ClinVar:

ClinVar aggregate classification (germline): Benign/Likely benign. Review status: criteria provided, multiple submitters, no conflicts (2 of 4 stars). 9 submissions from 9 submitters: Benign (4); Likely benign (4). 1 of the submissions does not count toward it. Last evaluated 2026-09-01.

Conditions:
Diamond-Blackfan anemia 12 (DBA12). Also called: RPL15-Related Diamond-Blackfan Anemia. Identifiers: Orphanet 124, MedGen C3809888, MONDO:0014245, OMIM 615550.
RPL15-related disorder. Also called: RPL15-related condition.

Allele frequency attached by ClinVar (database versions not stated): gnomAD 0.00525; 1000 Genomes Project 30x 0.00422; 1000 Genomes Project 0.00439; TOPMed 0.00604; ESP Exome Variant Server 0.00564.
gnomAD v4.1: 10,209 of 1,613,670 alleles (0.63%); highest among the groups gnomAD compares: Middle Eastern, 1.7%; 47 homozygotes.

Submissions (11):

CeGaT Center for Human Genetics Tuebingen
Classification: Likely benign. Last evaluated: 2026-09-01. Review status: criteria provided, single submitter. Criteria: CeGaT Center For Human Genetics Tuebingen Variant Classification Criteria Version 2. Collection method: clinical testing. Allele origin: germline. Affected: yes. Observed: 4 variant alleles.
Comment: RPL15: BP4, BP7, BS2

Labcorp Genetics (formerly Invitae), Labcorp
Classification: Benign. Last evaluated: 2026-02-01. Review status: criteria provided, single submitter. Criteria: Invitae Variant Classification Sherloc (09022015). Collection method: clinical testing. Allele origin: germline.

Mayo Clinic Laboratories, Mayo Clinic
Classification: Likely benign. Last evaluated: 2025-09-15. Review status: criteria provided, single submitter. Criteria: ACMG Guidelines, 2015. Collection method: clinical testing. Allele origin: germline. Observed: 2 variant alleles.
Comment: BS1, BP4, BP7

Blueprint Genetics
Classification: Likely benign. Last evaluated: 2024-11-26. Review status: criteria provided, single submitter. Criteria: ACMG Guidelines, 2015. Collection method: clinical testing. Allele origin: germline.

ARUP Laboratories, Molecular Genetics and Genomics, ARUP Laboratories
Classification: Benign for Diamond-Blackfan anemia 12. Last evaluated: 2024-10-30. Review status: criteria provided, single submitter. Criteria: ARUP Molecular Germline Variant Investigation Process 2024. Collection method: clinical testing. Allele origin: germline.

GeneDx
Classification: Benign. Last evaluated: 2018-10-31. Review status: criteria provided, single submitter. Criteria: GeneDx Variant Classification Process June 2021. Collection method: clinical testing. Allele origin: germline. Affected: yes.

Genetic Services Laboratory, University of Chicago
Classification: Benign. Last evaluated: 2018-08-02. Review status: criteria provided, single submitter. Criteria: ACMG Guidelines, 2015. Collection method: clinical testing. Allele origin: germline. Affected: no.

Breakthrough Genomics
Classification: Likely benign. Review status: criteria provided, single submitter. Criteria: ACMG Guidelines, 2015. Collection method: not provided. Allele origin: germline. Inheritance: Autosomal dominant inheritance. Affected: yes.

PreventionGenetics, part of Exact Sciences
Classification: Benign for RPL15-related condition. Last evaluated: 2020-08-12. Review status: no assertion criteria provided. Collection method: clinical testing. Allele origin: germline. Not counted in ClinVar's aggregate classification.
Comment: This variant is classified as benign based on ACMG/AMP sequence variant interpretation guidelines (Richards et al. 2015 PMID: 25741868, with internal and published modifications).

Dr. Peter K. Rogan Lab, Western University
No classification provided (evidence only). Condition: Clear cell carcinoma of kidney. Review status: no classification provided. Collection method: in vitro. Allele origin: not applicable. Functional consequence: retained intron. Not counted in ClinVar's aggregate classification.

Dr. Peter K. Rogan Lab, Western University
No classification provided (evidence only). Condition: Nonpapillary renal cell carcinoma. Review status: no classification provided. Collection method: in vitro. Allele origin: not applicable. Functional consequence: retained intron. Not counted in ClinVar's aggregate classification.

NM_002948.5(RPL15):c.75C>G (p.Val25=)

Genes: NKIRAS1 (NFKB inhibitor interacting Ras like 1; minus strand), RPL15 (ribosomal protein L15; plus strand). Cytogenetic location: 3p24.2.
Variant type: single nucleotide variant.
Coding change: c.75C>G on transcript NM_002948.5 (MANE Select); coding-DNA position 75, C replaced by G.
Protein change: p.Val25=; no amino-acid change (valine 25 retained).
Molecular consequence: synonymous variant. On other transcripts: intron variant (1).
Genome position (GRCh38, 1-based): chr3:23,917,934, C>G. VCF-style: chr3-23917934-C-G. GRCh37 (hg19) VCF-style: chr3-23959425-C-G.
Other names: p.Val25=; c.75C>G, p.Val25= (NM_001253379.2, NM_001253380.2, NM_001253382.2 and 2 more transcripts); c.-139-6484G>C (NM_001377380.1); c.75C>G (NM_002948.4).
Identifiers: ClinVar variation 436551 (VCV000436551.52), dbSNP rs35629664, ClinGen allele CA2286426.